The following is an entry in ClinVar:

ClinVar aggregate classification (germline): Benign (0 of 4 stars; one submission).

Conditions:
POLR2A-related disorder. Also called: POLR2A-related condition.

Submissions (9):

PreventionGenetics, part of Exact Sciences
Classification: Benign for POLR2A-related condition. Last evaluated: 2019-12-05. Review status: no assertion criteria provided. Collection method: clinical testing. Allele origin: germline.
Comment: This variant is classified as benign based on ACMG/AMP sequence variant interpretation guidelines (Richards et al. 2015 PMID: 25741868, with internal and published modifications).

Dr. Peter K. Rogan Lab, Western University
No classification provided (evidence only). Condition: Colon adenocarcinoma. Review status: no classification provided. Collection method: in vitro. Allele origin: not applicable. Functional consequence: retained intron. Not counted in ClinVar's aggregate classification.

Dr. Peter K. Rogan Lab, Western University
No classification provided (evidence only). Condition: Nonpapillary renal cell carcinoma. Review status: no classification provided. Collection method: in vitro. Allele origin: not applicable. Functional consequence: retained intron. Not counted in ClinVar's aggregate classification.

Dr. Peter K. Rogan Lab, Western University
No classification provided (evidence only). Condition: Uveal melanoma. Review status: no classification provided. Collection method: in vitro. Allele origin: not applicable. Functional consequence: retained intron. Not counted in ClinVar's aggregate classification.

Dr. Peter K. Rogan Lab, Western University
No classification provided (evidence only). Condition: Uveal melanoma. Review status: no classification provided. Collection method: in vitro. Allele origin: not applicable. Functional consequence: retained intron. Not counted in ClinVar's aggregate classification.

Dr. Peter K. Rogan Lab, Western University
No classification provided (evidence only). Condition: Malignant tumor of esophagus. Review status: no classification provided. Collection method: in vitro. Allele origin: not applicable. Functional consequence: retained intron. Not counted in ClinVar's aggregate classification.

Dr. Peter K. Rogan Lab, Western University
No classification provided (evidence only). Condition: Malignant tumor of esophagus. Review status: no classification provided. Collection method: in vitro. Allele origin: not applicable. Functional consequence: retained intron. Not counted in ClinVar's aggregate classification.

Dr. Peter K. Rogan Lab, Western University
No classification provided (evidence only). Condition: Malignant tumor of esophagus. Review status: no classification provided. Collection method: in vitro. Allele origin: not applicable. Functional consequence: retained intron. Not counted in ClinVar's aggregate classification.

Dr. Peter K. Rogan Lab, Western University
No classification provided (evidence only). Condition: Malignant tumor of esophagus. Review status: no classification provided. Collection method: in vitro. Allele origin: not applicable. Functional consequence: retained intron. Not counted in ClinVar's aggregate classification.

NM_000937.5(POLR2A):c.94-16CTTT[2]

Gene: POLR2A (RNA polymerase II subunit A; plus strand). Cytogenetic location: 17p13.1.
Variant type: Microsatellite.
Coding change: c.94-16CTTT[2] on transcript NM_000937.5 (MANE Select); two copies in a row of the 4-base unit CTTT starting at c.94-16; the reference has three copies in a row; one copy, 4 bases deleted.
Molecular consequence: intron variant.
Genome position (GRCh38, 1-based): chr17:7,495,933-7,495,936, CTTT deleted; deleting any 4 consecutive bases within chr17:7,495,925-7,495,936 gives the same sequence; the position shown is the placement nearest the transcript's 3' end. VCF-style (leftmost placement, unchanged base first): chr17-7495924-CCTTT-C. GRCh37 (hg19) VCF-style: chr17-7399243-CCTTT-C.
Other names: NC_000017.10:g.7399252_7399255del; c.94-8_94-5del (NM_000937.5).
Identifiers: ClinVar variation 3056317 (VCV003056317.3), dbSNP rs3216887, ClinGen allele CA8349099.
Genomic context (GRCh38, chr17:7,495,924, plus strand): 5'-CTTAGTCCAGAGCTCCCCAGCCACAAAGGCTAGAAACTAGGAACGCTGTTCAGTTGTTGG[CCTTT>C]CTTTCTTTGCAGAAGCGAATGTCTGTGACGGAGGGTGGCATCAAATACCCAGAGACGACT-3'